The following is an entry in ClinVar:

NM_032383.5(HPS3):c.490C>T (p.Gln164Ter)

Gene: HPS3 (HPS3 biogenesis of lysosomal organelles complex 2 subunit 1; plus strand). Cytogenetic location: 3q24.
Variant type: single nucleotide variant.
Coding change: c.490C>T on transcript NM_032383.5 (MANE Select); coding-DNA position 490, C replaced by T.
Protein change: p.Gln164Ter; replaces glutamine 164 with a stop codon.
Molecular consequence: nonsense. On other transcripts: intron variant (1).
Genome position (GRCh38, 1-based): chr3:149,140,276, C>T. VCF-style: chr3-149140276-C-T. GRCh37 (hg19) VCF-style: chr3-148858063-C-T.
Other names: c.218-741C>T (NM_001308258.2); short protein forms Q164*.
Identifiers: ClinVar variation 4733667 (VCV004733667.1).
Genomic context (GRCh38, chr3:149,140,276, plus strand): 5'-GTGAAAGGAGACCTTCTCGTTGGCTGCACAAATAAATTAGTCTTATTTAGTTTGAAGTAC[C>T]AGATCATTAATGAGGAATTCTCACTATTGGACTTTGAACGTTCTTTAATTATACACATAG-3'

ClinVar aggregate classification (germline): Pathogenic (1 of 4 stars; one submission).

Submission:

Labcorp Genetics (formerly Invitae), Labcorp
Classification: Pathogenic. Last evaluated: 2026-01-27. Review status: criteria provided, single submitter. Criteria: Invitae Variant Classification Sherloc (09022015). Collection method: clinical testing. Allele origin: germline.
Comment: This sequence change creates a premature translational stop signal (p.Gln164*) in the HPS3 gene. It is expected to result in an absent or disrupted protein product. Loss-of-function variants in HPS3 are known to be pathogenic (PMID: 11590544). This variant is not present in population databases (gnomAD no frequency). This variant has not been reported in the literature in individuals affected with HPS3-related conditions. For these reasons, this variant has been classified as Pathogenic.

Literature cited by the submitters: PubMed 11590544.